The following is an entry in ClinVar:

ClinVar aggregate classification (germline): Pathogenic (1 of 4 stars; one submission).

Conditions:
Dilated cardiomyopathy 1G (CMD1G). Identifiers: Orphanet 154, MedGen C1858763, MONDO:0011400, OMIM 604145.
Autosomal recessive limb-girdle muscular dystrophy type 2J (LGMDR10). Also called: MUSCULAR DYSTROPHY, LIMB-GIRDLE, AUTOSOMAL RECESSIVE 10; Limb-girdle muscular dystrophy, type 2J. Identifiers: Orphanet 140922, MedGen C1837342, MONDO:0012127, OMIM 608807.

gnomAD v4.1: 1 of 1,614,000 alleles (0.000062%); no homozygotes.

Submission:

Labcorp Genetics (formerly Invitae), Labcorp
Classification: Pathogenic for Dilated cardiomyopathy 1G; Autosomal recessive limb-girdle muscular dystrophy type 2J. Last evaluated: 2024-10-18. Review status: criteria provided, single submitter. Criteria: Invitae Variant Classification Sherloc (09022015). Collection method: clinical testing. Allele origin: germline.
Comment: This sequence change creates a premature translational stop signal (p.Trp2126*) in the TTN gene. While this is not anticipated to result in nonsense mediated decay, it is expected to create a truncated TTN protein. This variant is not present in population databases (gnomAD no frequency). This premature translational stop signal has been observed in individuals with dilated cardiomyopathy (internal data). This variant is located in the Z band of TTN (PMID: 25589632). Truncating variants in this region have been reported in individuals affected with autosomal recessive centronuclear myopathy (PMID: 33449170, internal data). Truncating variants in this region have also been identified in individuals affected with autosomal dominant dilated cardiomyopathy and/or cardio-related conditions (PMID: 27869827, 32964742, internal data). For these reasons, this variant has been classified as Pathogenic.

Literature cited by the submitters: PubMed 25589632; PubMed 33449170; PubMed 27869827; PubMed 32964742.

NM_001267550.2(TTN):c.6377G>A (p.Trp2126Ter)

Gene: TTN (titin; minus strand). Cytogenetic location: 2q31.2.
Variant type: single nucleotide variant.
Coding change: c.6377G>A on transcript NM_001267550.2 (MANE Select); coding-DNA position 6377, G replaced by A.
Protein change: p.Trp2126Ter; replaces tryptophan 2126 with a stop codon.
Molecular consequence: nonsense.
Genome position (GRCh38, 1-based): chr2:178,775,487, C>T on the plus strand (G>A on the coding strand, the complement: TTN is on the minus strand). VCF-style: chr2-178775487-C-T. GRCh37 (hg19) VCF-style: chr2-179640214-C-T.
Other names: c.6377G>A, p.Trp2126Ter (NM_001256850.1, NM_133378.4, NM_133379.5); c.6239G>A, p.Trp2080Ter (NM_003319.4, NM_133432.3, NM_133437.4); short protein forms W2080*, W2126*.
Identifiers: ClinVar variation 2942024 (VCV002942024.3), dbSNP rs184312157, ClinGen allele CA349440221.